The following is an entry in ClinVar:

ClinVar aggregate classification (germline): Uncertain significance. Review status: criteria provided, multiple submitters, no conflicts (2 of 4 stars). 2 submissions from 2 submitters: Uncertain significance (2). Last evaluated 2025-01-06.

Conditions:
Inborn genetic diseases. Identifiers: MedGen C0950123, MeSH D030342.
Idiopathic generalized epilepsy. Also called: EIG; Generalised epilepsy. Identifiers: MedGen C0270850, MONDO:0005579, OMIM 600669.

gnomAD v4.1: 18 of 1,613,986 alleles (0.0011%); highest among the groups gnomAD compares: Non-Finnish European, 0.0014%; no homozygotes.

Submissions (2):

Labcorp Genetics (formerly Invitae), Labcorp
Classification: Uncertain significance for Idiopathic generalized epilepsy. Last evaluated: 2025-01-06. Review status: criteria provided, single submitter. Criteria: Invitae Variant Classification Sherloc (09022015). Collection method: clinical testing. Allele origin: germline.
Comment: This sequence change replaces lysine, which is basic and polar, with asparagine, which is neutral and polar, at codon 133 of the RBFOX1 protein (p.Lys133Asn). This variant is present in population databases (rs760846272, gnomAD 0.004%). This variant has not been reported in the literature in individuals affected with RBFOX1-related conditions. ClinVar contains an entry for this variant (Variation ID: 2457832). Invitae Evidence Modeling of protein sequence and biophysical properties (such as structural, functional, and spatial information, amino acid conservation, physicochemical variation, residue mobility, and thermodynamic stability) indicates that this missense variant is not expected to disrupt RBFOX1 protein function with a negative predictive value of 80%. In summary, the available evidence is currently insufficient to determine the role of this variant in disease. Therefore, it has been classified as a Variant of Uncertain Significance.

Ambry Genetics
Classification: Uncertain significance for Inborn genetic diseases. Last evaluated: 2023-02-15. Review status: criteria provided, single submitter. Criteria: Ambry Variant Classification Scheme 2023. Collection method: clinical testing. Allele origin: germline.

NM_018723.4(RBFOX1):c.339G>C (p.Lys113Asn)

Genes: RBFOX1 (RNA binding fox-1 homolog 1; plus strand), LOC126862278 (CDK7 strongly-dependent group 2 enhancer GRCh37_chr16:7629446-7630645; plus strand). Cytogenetic location: 16p13.3.
Variant type: single nucleotide variant.
Coding change: c.339G>C on transcript NM_018723.4 (MANE Select); coding-DNA position 339, G replaced by C.
Protein change: p.Lys113Asn; replaces lysine 113 with asparagine.
Molecular consequence: missense variant.
Genome position (GRCh38, 1-based): chr16:7,579,845, G>C. VCF-style: chr16-7579845-G-C. GRCh37 (hg19) VCF-style: chr16-7629847-G-C.
Other names: c.399G>C, p.Lys133Asn (NM_001415906.1, NM_001415915.1, NM_145891.3 and 4 more transcripts); c.468G>C, p.Lys156Asn (NM_001415907.1, NM_001415908.1, NM_001415914.1 and 5 more transcripts); c.447G>C, p.Lys149Asn (NM_001415909.1, NM_001415910.1, NM_001415912.1 and 5 more transcripts); c.345G>C, p.Lys115Asn (NM_001415911.1, NM_001415917.1, NM_001415902.1); c.414G>C, p.Lys138Asn (NM_001415913.1, NM_001415890.1, NM_001415903.1 and 4 more transcripts); c.339G>C, p.Lys113Asn (NM_001415916.1, NM_001142333.2, NM_001142334.2 and 1 more transcripts); c.936G>C, p.Lys312Asn (NM_001415887.1, NM_001415888.1); short protein forms K133N, K138N, K149N, K113N, K115N, K156N, K312N.
Identifiers: ClinVar variation 2457832 (VCV002457832.4), dbSNP rs760846272, ClinGen allele CA7891456.